The following is an entry in ClinVar:

NM_020821.3(VPS13C):c.3052-5T>G

Gene: VPS13C (vacuolar protein sorting 13 homolog C; minus strand). Cytogenetic location: 15q22.2.
Variant type: single nucleotide variant.
Coding change: c.3052-5T>G on transcript NM_020821.3 (MANE Select); 5 bases into the intron before coding-DNA position 3052, T replaced by G.
Molecular consequence: intron variant.
Genome position (GRCh38, 1-based): chr15:61,964,866, A>C on the plus strand (T>G on the coding strand, the complement: VPS13C is on the minus strand). VCF-style: chr15-61964866-A-C. GRCh37 (hg19) VCF-style: chr15-62257065-A-C.
Other names: c.2923-5T>G (NM_017684.5, NM_018080.4); c.3052-5T>G (NM_001018088.3).
Identifiers: ClinVar variation 1312142 (VCV001312142.6), dbSNP rs372141774, ClinGen allele CA7596496.

ClinVar aggregate classification (germline): Conflicting classifications of pathogenicity. Review status: criteria provided, conflicting classifications (1 of 4 stars). 2 submissions from 2 submitters: Uncertain significance (1); Likely benign (1). Last evaluated 2025-10-06.

Allele frequency attached by ClinVar (database versions not stated): gnomAD 0.00002; gnomAD exomes 0.00002 and 0.00007; TOPMed 0.00006; ExAC 0.00007; ESP Exome Variant Server 0.00015.
gnomAD v4.1: 42 of 1,595,200 alleles (0.0026%); highest among the groups gnomAD compares: Admixed American, 0.0036%; no homozygotes.

Submissions (2):

Labcorp Genetics (formerly Invitae), Labcorp
Classification: Likely benign. Last evaluated: 2025-10-06. Review status: criteria provided, single submitter. Criteria: Invitae Variant Classification Sherloc (09022015). Collection method: clinical testing. Allele origin: germline.

GeneDx
Classification: Uncertain significance. Last evaluated: 2020-02-04. Review status: criteria provided, single submitter. Criteria: GeneDx Variant Classification Process June 2021. Collection method: clinical testing. Allele origin: germline. Affected: yes.
Comment: In silico analysis supports a deleterious effect on splicing; In the absence of RNA/functional studies, the actual effect of this sequence change is unknown; Has not been previously published as pathogenic or benign to our knowledge